The following is an entry in ClinVar:

ClinVar aggregate classification (germline): Uncertain significance. Review status: criteria provided, multiple submitters, no conflicts (2 of 4 stars). 2 submissions from 2 submitters: Uncertain significance (2). Last evaluated 2025-12-03.

Allele frequency attached by ClinVar (database versions not stated): gnomAD exomes below 0.00001 and 0.00001; gnomAD 0.00001; TOPMed 0.00001.
gnomAD v4.1: 10 of 1,612,060 alleles (0.00062%); highest among the groups gnomAD compares: Non-Finnish European, 0.00085%; no homozygotes.

Submissions (2):

Labcorp Genetics (formerly Invitae), Labcorp
Classification: Uncertain significance. Last evaluated: 2025-12-03. Review status: criteria provided, single submitter. Criteria: Invitae Variant Classification Sherloc (09022015). Collection method: clinical testing. Allele origin: germline.
Comment: This sequence change falls in intron 8 of the PROM1 gene. It does not directly change the encoded amino acid sequence of the PROM1 protein. It affects a nucleotide within the consensus splice site. This variant is present in population databases (no rsID available, gnomAD 0.0009%). This variant has not been reported in the literature in individuals affected with PROM1-related conditions. ClinVar contains an entry for this variant (Variation ID: 865842). Variants that disrupt the consensus splice site are a relatively common cause of aberrant splicing (PMID: 17576681, 9536098). Algorithms developed to predict the effect of sequence changes on RNA splicing suggest that this variant is not likely to affect RNA splicing. In summary, the available evidence is currently insufficient to determine the role of this variant in disease. Therefore, it has been classified as a Variant of Uncertain Significance.

Blueprint Genetics
Classification: Uncertain significance. Last evaluated: 2024-03-28. Review status: criteria provided, single submitter. Criteria: ACMG Guidelines, 2015. Collection method: clinical testing. Allele origin: germline.

Literature cited by the submitters: PubMed 17576681 (cited by Labcorp Genetics (formerly Invitae), Labcorp); PubMed 9536098 (cited by Labcorp Genetics (formerly Invitae), Labcorp).

NM_006017.3(PROM1):c.1002+6C>T

Gene: PROM1 (prominin 1; minus strand). Cytogenetic location: 4p15.32.
Variant type: single nucleotide variant.
Coding change: c.1002+6C>T on transcript NM_006017.3 (MANE Select); 6 bases into the intron after coding-DNA position 1002, C replaced by T.
Molecular consequence: intron variant.
Genome position (GRCh38, 1-based): chr4:16,018,317, G>A on the plus strand (C>T on the coding strand, the complement: PROM1 is on the minus strand). VCF-style: chr4-16018317-G-A. GRCh37 (hg19) VCF-style: chr4-16019940-G-A.
Other names: c.975+6C>T (NM_001145848.2, NM_001145852.2, NM_001145847.2 and 4 more transcripts); c.1002+6C>T (NM_001145850.2, NM_001145849.2).
Identifiers: ClinVar variation 865842 (VCV000865842.3), dbSNP rs1338456600, ClinGen allele CA550187762.